The following is an entry in ClinVar:

ClinVar aggregate classification (germline): Likely benign (1 of 4 stars; one submission).

gnomAD v4.1: 16 of 1,613,448 alleles (0.00099%); highest among the groups gnomAD compares: Non-Finnish European, 0.0014%; no homozygotes.

Submission:

CeGaT Center for Human Genetics Tuebingen
Classification: Likely benign. Last evaluated: 2025-11-01. Review status: criteria provided, single submitter. Criteria: CeGaT Center For Human Genetics Tuebingen Variant Classification Criteria Version 2. Collection method: clinical testing. Allele origin: germline. Affected: yes. Observed: 1 variant allele.
Comment: PSMD12: BP4

NM_002816.5(PSMD12):c.452C>G (p.Thr151Ser)

Gene: PSMD12 (proteasome 26S subunit, non-ATPase 12; minus strand). Cytogenetic location: 17q24.2.
Variant type: single nucleotide variant.
Coding change: c.452C>G on transcript NM_002816.5 (MANE Select); coding-DNA position 452, C replaced by G.
Protein change: p.Thr151Ser; replaces threonine 151 with serine.
Molecular consequence: missense variant.
Genome position (GRCh38, 1-based): chr17:67,348,608, G>C on the plus strand (C>G on the coding strand, the complement: PSMD12 is on the minus strand). VCF-style: chr17-67348608-G-C. GRCh37 (hg19) VCF-style: chr17-65344724-G-C.
Other names: c.275C>G, p.Thr92Ser (NM_001316341.2); c.392C>G, p.Thr131Ser (NM_174871.4); short protein forms T131S, T151S, T92S.
Identifiers: ClinVar variation 4534377 (VCV004534377.6).